The following is an entry in ClinVar:

ClinVar aggregate classification (germline): Uncertain significance (1 of 4 stars; one submission).

gnomAD v4.1: 1 of 1,613,358 alleles (0.000062%); highest among the groups gnomAD compares: African/African-American, 0.0013%; no homozygotes.

Submission:

GeneDx
Classification: Uncertain significance. Last evaluated: 2024-07-12. Review status: criteria provided, single submitter. Criteria: GeneDx Variant Classification Process June 2021. Collection method: clinical testing. Allele origin: germline. Affected: yes.
Comment: Not observed at significant frequency in large population cohorts (gnomAD); In silico analysis supports that this missense variant has a deleterious effect on protein structure/function; Has not been previously published as pathogenic or benign to our knowledge

NM_198503.5(KCNT2):c.3206G>A (p.Gly1069Glu)

Gene: KCNT2 (potassium sodium-activated channel subfamily T member 2; minus strand). Cytogenetic location: 1q31.3.
Variant type: single nucleotide variant.
Coding change: c.3206G>A on transcript NM_198503.5 (MANE Select); coding-DNA position 3206, G replaced by A.
Protein change: p.Gly1069Glu; replaces glycine 1069 with glutamic acid.
Molecular consequence: missense variant. On other transcripts: non-coding transcript variant (2).
Genome position (GRCh38, 1-based): chr1:196,258,199, C>T on the plus strand (G>A on the coding strand, the complement: KCNT2 is on the minus strand). VCF-style: chr1-196258199-C-T. GRCh37 (hg19) VCF-style: chr1-196227329-C-T.
Other names: c.3134G>A, p.Gly1045Glu (NM_001287819.3); c.3005G>A, p.Gly1002Glu (NM_001287820.3); short protein forms G1002E, G1045E, G1069E.
Identifiers: ClinVar variation 3573649 (VCV003573649.1).